The following is an entry in ClinVar:

NM_182914.3(SYNE2):c.18861T>C (p.Asn6287=)

Gene: SYNE2 (spectrin repeat containing nuclear envelope protein 2; plus strand). Cytogenetic location: 14q23.2.
Variant type: single nucleotide variant.
Coding change: c.18861T>C on transcript NM_182914.3 (MANE Select); coding-DNA position 18861, T replaced by C.
Protein change: p.Asn6287=; no amino-acid change (asparagine 6287 retained).
Molecular consequence: synonymous variant.
Genome position (GRCh38, 1-based): chr14:64,212,098, T>C. VCF-style: chr14-64212098-T-C. GRCh37 (hg19) VCF-style: chr14-64678816-T-C.
Other names: c.18861T>C, p.Asn6287= (NM_015180.6).
Identifiers: ClinVar variation 2193544 (VCV002193544.4), dbSNP rs755106430, ClinGen allele CA7224228.

ClinVar aggregate classification (germline): Uncertain significance (1 of 4 stars; one submission).

Conditions:
Emery-Dreifuss muscular dystrophy 5, autosomal dominant (EDMD5). Also called: EMERY-DREIFUSS MUSCULAR DYSTROPHY 5. Identifiers: Orphanet 261, MedGen C2751805, MONDO:0013072, OMIM 612999.

Allele frequency attached by ClinVar (database versions not stated): TOPMed below 0.00001; ExAC 0.00001; gnomAD exomes 0.00001.
gnomAD v4.1: 8 of 1,614,002 alleles (0.0005%); highest among the groups gnomAD compares: South Asian, 0.0055%; no homozygotes.

Submission:

Labcorp Genetics (formerly Invitae), Labcorp
Classification: Uncertain significance for Emery-Dreifuss muscular dystrophy 5, autosomal dominant. Last evaluated: 2024-11-05. Review status: criteria provided, single submitter. Criteria: Invitae Variant Classification Sherloc (09022015). Collection method: clinical testing. Allele origin: germline.
Comment: This sequence change affects codon 6287 of the SYNE2 mRNA. It is a 'silent' change, meaning that it does not change the encoded amino acid sequence of the SYNE2 protein. It affects a nucleotide within the consensus splice site. This variant is present in population databases (rs755106430, gnomAD 0.003%). This variant has not been reported in the literature in individuals affected with SYNE2-related conditions. ClinVar contains an entry for this variant (Variation ID: 2193544). Algorithms developed to predict the effect of sequence changes on RNA splicing suggest that this variant is not likely to affect RNA splicing. In summary, the available evidence is currently insufficient to determine the role of this variant in disease. Therefore, it has been classified as a Variant of Uncertain Significance.